The following is an entry in ClinVar:

ClinVar aggregate classification (germline): Likely benign (1 of 4 stars; one submission).

Submission:

CeGaT Center for Human Genetics Tuebingen
Classification: Likely benign. Last evaluated: 2023-11-01. Review status: criteria provided, single submitter. Criteria: CeGaT Center For Human Genetics Tuebingen Variant Classification Criteria Version 2. Collection method: clinical testing. Allele origin: germline. Affected: yes. Observed: 1 variant allele.
Comment: KIF7: PM2:Supporting, BP4, BP7

NM_198525.3(KIF7):c.3546C>T (p.Ser1182=)

Genes: KIF7 (kinesin family member 7; minus strand), LOC126862216 (BRD4-independent group 4 enhancer GRCh37_chr15:90171995-90173194; plus strand). Cytogenetic location: 15q26.1.
Variant type: single nucleotide variant.
Coding change: c.3546C>T on transcript NM_198525.3 (MANE Select); coding-DNA position 3546, C replaced by T.
Protein change: p.Ser1182=; no amino-acid change (serine 1182 retained).
Molecular consequence: synonymous variant.
Genome position (GRCh38, 1-based): chr15:89,629,094, G>A on the plus strand (C>T on the coding strand, the complement: KIF7 is on the minus strand). VCF-style: chr15-89629094-G-A. GRCh37 (hg19) VCF-style: chr15-90172325-G-A.
Identifiers: ClinVar variation 2672596 (VCV002672596.23), dbSNP rs750306469, ClinGen allele CA492292281.
Genomic context (GRCh38, chr15:89,629,094, plus strand): 5'-CCACATGTAACGGCCCAGTTCCTTCTCCAGAGCTTGAATCCGGGCCTCATACTGCCTCCT[G>A]CTGTCTGCTAACCCTTCACCGAGGTGGTCTAGAGTGGAAAGGTCGAGGAGAGGGTGGTGA-3'
Protein context (NP_940927.2, residues 1172-1192): RDHLGEGLAD[Ser1182=]RRQYEARIQA